The following is an entry in ClinVar:

NM_000852.4(GSTP1):c.313A>G (p.Ile105Val)

Gene: GSTP1 (glutathione S-transferase pi 1; plus strand). Cytogenetic location: 11q13.2.
Variant type: single nucleotide variant.
Coding change: c.313A>G on transcript NM_000852.4 (MANE Select); coding-DNA position 313, A replaced by G.
Protein change: p.Ile105Val; replaces isoleucine 105 with valine.
Molecular consequence: missense variant.
Genome position (GRCh38, 1-based): chr11:67,585,218, A>G. VCF-style: chr11-67585218-A-G. GRCh37 (hg19) VCF-style: chr11-67352689-A-G.
Other names: short protein forms I105V.
Identifiers: ClinVar variation 37340 (VCV000037340.7), dbSNP rs1695, ClinGen allele CA6142790.

ClinVar aggregate classification (germline): Benign. Review status: criteria provided, multiple submitters, no conflicts (2 of 4 stars). 3 submissions from 3 submitters: Benign (2). 1 of the submissions does not count toward it. Last evaluated 2021-06-09.

Conditions:
Abnormality of immune system physiology. Identifiers: MedGen C4023616, HP:0010978.

Allele frequency attached by ClinVar (database versions not stated): ExAC 0.33348; gnomAD 0.36004 and 0.36578; 1000 Genomes Project 0.35264; 1000 Genomes Project 30x 0.36227; TOPMed 0.37966; ESP Exome Variant Server 0.36084; gnomAD exomes 0.33858.
gnomAD v4.1: 548,022 of 1,605,938 alleles (34%); highest among the groups gnomAD compares: Admixed American, 48%; 96,157 homozygotes.

Submissions (3):

GeneDx
Classification: Benign. Last evaluated: 2021-06-09. Review status: criteria provided, single submitter. Criteria: GeneDx Variant Classification Process June 2021. Collection method: clinical testing. Allele origin: germline. Affected: yes.
Comment: This variant is associated with the following publications: (PMID: 25799091, 26663067, 27984487, 25591549, 24582550, 24547706, 23977100, 24919441, 23979883, 24185126, 23552977, 27271084, 10376763, 23278642, 20674822, 17250723, 20091863, 9525277, 20840864, 19383894, 22960333, 23142420, 22525558, 22326267, 18988661, 22206016, 22251241, 9299520, 9281308, 20608166, 23826324, 19027952, 21128213, 20032816, 21993019, 23278115, 9092542, 20041472)

Breakthrough Genomics
Classification: Benign. Review status: criteria provided, single submitter. Criteria: ACMG Guidelines, 2015. Collection method: not provided. Allele origin: germline. Inheritance: Unknown mechanism. Affected: yes.

iDNA Genomics
Classification: Benign for Abnormality of immune system physiology. Last evaluated: 2021-09-06. Review status: no assertion criteria provided. Collection method: reference population. Allele origin: unknown. Not counted in ClinVar's aggregate classification.